The following is an entry in ClinVar:

ClinVar aggregate classification (germline): Uncertain significance. Review status: criteria provided, multiple submitters, no conflicts (2 of 4 stars). 6 submissions from 6 submitters: Uncertain significance (5). 1 of the submissions does not count toward it. Last evaluated 2025-09-08.

Conditions:
Dilated cardiomyopathy 1NN. Identifiers: Orphanet 154, MedGen C4014656, MONDO:0014396, OMIM 615916.
RASopathy. Also called: rasopathies; Noonan spectrum disorder. Identifiers: Orphanet 536391, MedGen C5555857, MONDO:0021060.
Noonan syndrome 5 (NS5). Also called: RAF1-Related Noonan Syndrome. Identifiers: Orphanet 648, MedGen C1969057, MONDO:0012690, OMIM 611553. Disease mechanism: gain of function.

Allele frequency attached by ClinVar (database versions not stated): TOPMed below 0.00001; gnomAD 0.00001; gnomAD exomes 0.00001 and 0.00002; ExAC 0.00002.
gnomAD v4.1: 10 of 1,613,866 alleles (0.00062%); highest among the groups gnomAD compares: Admixed American, 0.0033%; no homozygotes.

Submissions (6):

3billion
Classification: Uncertain significance for Noonan syndrome 5. Last evaluated: 2025-09-08. Review status: criteria provided, single submitter. Criteria: ACMG Guidelines, 2015. Collection method: clinical testing. Allele origin: germline. Affected: yes.
Comment: The variant is observed at an extremely low frequency in the gnomAD v4.1.0 dataset (total allele frequency: <0.001%). Predicted Consequence/Location: Missense variant. Missense changes are a common disease-causing mechanism. Functional studies provide moderate evidence of the variant having a damaging effect on the gene or gene product (PMID: 24777450). In silico tool predictions suggest damaging effect of the variant on gene or gene product [REVEL: 0.68 (>=0.6, sensitivity 0.68 and specificity 0.92); 3Cnet: 1.00 (> 0.75, sensitivity 0.96 and precision 0.92)]. The same nucleotide change resulting in the same amino acid change has been previously reported to be associated with RAF1-related disorder (ClinVar ID: VCV000142299 /PMID: 24777450). However, the evidence of pathogenicity is insufficient at this time. Therefore, this variant is classified as VUS according to the recommendation of ACMG/AMP guideline.

Women's Health and Genetics/Laboratory Corporation of America, LabCorp
Classification: Uncertain significance. Last evaluated: 2024-12-27. Review status: criteria provided, single submitter. Criteria: LabCorp Variant Classification Summary - May 2015. Collection method: clinical testing. Allele origin: germline.
Comment: Variant summary: RAF1 c.709G>A (p.Ala237Thr) results in a non-conservative amino acid change in the encoded protein sequence. Three of five in-silico tools predict a benign effect of the variant on protein function. The variant allele was found at a frequency of 1.6e-05 in 251336 control chromosomes. The available data on variant occurrences in the general population are insufficient to allow any conclusion about variant significance. c.709G>A has been reported in the literature in individuals affected with Cardiomyopathy (Dhandapany_2014, Mazzaccara_2022). These report(s) do not provide unequivocal conclusions about association of the variant with Noonan Syndrome. At least one publication reports experimental evidence evaluating an impact on protein function, and shows a mild increase in kinase activity (Dhandapany_2014). The following publications have been ascertained in the context of this evaluation (PMID: 24777450, 36291626). ClinVar contains an entry for this variant (Variation ID: 142299). Based on the evidence outlined above, the variant was classified as uncertain significance.

Labcorp Genetics (formerly Invitae), Labcorp
Classification: Uncertain significance for RASopathy. Last evaluated: 2022-07-15. Review status: criteria provided, single submitter. Criteria: Invitae Variant Classification Sherloc (09022015). Collection method: clinical testing. Allele origin: germline.
Comment: This missense change has been observed in individual(s) with dilated cardiomyopathy (PMID: 24777450). This sequence change replaces alanine, which is neutral and non-polar, with threonine, which is neutral and polar, at codon 237 of the RAF1 protein (p.Ala237Thr). This variant is present in population databases (rs587777588, gnomAD 0.006%). ClinVar contains an entry for this variant (Variation ID: 142299). Algorithms developed to predict the effect of missense changes on protein structure and function (SIFT, PolyPhen-2, Align-GVGD) all suggest that this variant is likely to be tolerated. Experimental studies have shown that this missense change affects RAF1 function (PMID: 24777450). In summary, the available evidence is currently insufficient to determine the role of this variant in disease. Therefore, it has been classified as a Variant of Uncertain Significance.

Blueprint Genetics
Classification: Uncertain significance. Last evaluated: 2020-11-03. Review status: criteria provided, single submitter. Criteria: ACMG Guidelines, 2015. Collection method: clinical testing. Allele origin: germline.

GeneDx
Classification: Uncertain significance. Last evaluated: 2020-01-03. Review status: criteria provided, single submitter. Criteria: GeneDx Variant Classification Process June 2021. Collection method: clinical testing. Allele origin: germline. Affected: yes.
Comment: Identified in an adult patient with dilated cardiomyopathy but no other features consistent with a RASopathy disorder (Dhandapany et al., 2014); The majority of missense variants in this gene are considered pathogenic (Stenson et al., 2014); In silico analysis, which includes protein predictors and evolutionary conservation, supports that this variant does not alter protein structure/function; Published functional studies showed increased RAF1 kinase activity but uncertain effects downstream in the RAS/MAPK signaling (Dhandapany et al., 2014); This variant is associated with the following publications: (PMID: 31589614, 24777450)

OMIM
Classification: Pathogenic for CARDIOMYOPATHY, DILATED, 1NN. Last evaluated: 2014-06-01. Review status: no assertion criteria provided. Collection method: literature only. Allele origin: germline. Not counted in ClinVar's aggregate classification.

Literature cited by the submitters: PubMed 24777450 (cited by 4 submitters); PubMed 36291626 (cited by Women's Health and Genetics/Laboratory Corporation of America, LabCorp).

NM_002880.4(RAF1):c.709G>A (p.Ala237Thr)

Gene: RAF1 (Raf-1 proto-oncogene, serine/threonine kinase; minus strand). Cytogenetic location: 3p25.2.
Variant type: single nucleotide variant.
Coding change: c.709G>A on transcript NM_002880.4 (MANE Select); coding-DNA position 709, G replaced by A.
Protein change: p.Ala237Thr; replaces alanine 237 with threonine.
Molecular consequence: missense variant. On other transcripts: non-coding transcript variant (3).
Genome position (GRCh38, 1-based): chr3:12,604,261, C>T on the plus strand (G>A on the coding strand, the complement: RAF1 is on the minus strand). VCF-style: chr3-12604261-C-T. GRCh37 (hg19) VCF-style: chr3-12645760-C-T.
Other names: c.709G>A, p.Ala237Thr (NM_001354689.3, NM_001354690.3); c.466G>A, p.Ala156Thr (NM_001354691.3, NM_001354692.3, NM_001354694.3); c.610G>A, p.Ala204Thr (NM_001354693.3); c.367G>A, p.Ala123Thr (NM_001354695.3); short protein forms A237T, A156T, A123T, A204T.
Identifiers: ClinVar variation 142299 (VCV000142299.16), dbSNP rs587777588, ClinGen allele CA167984.
Genomic context (GRCh38, chr3:12,604,261, plus strand): 5'-ACCTCTGCCTCTGGGAGAGGGAACCTTCAGATGAGGGACTGGAGGTGTTAAAGGTGAAGG[C>T]GTGAGGTGTAGAATATCTGTGCTGAGAACTAGGAGGAGAAAGAAAATTCCATGATTGGCA-3'
Protein context (NP_002871.1, residues 227-247): SSQHRYSTPH[Ala237Thr]FTFNTSSPSS